The following is an entry in ClinVar:

NM_003392.7(WNT5A):c.*2011G>A

Gene: WNT5A (Wnt family member 5A; minus strand). Cytogenetic location: 3p14.3.
Variant type: single nucleotide variant.
Coding change: c.*2011G>A on transcript NM_003392.7 (MANE Select); 2011 bases downstream of the stop codon, G replaced by A.
Molecular consequence: 3 prime UTR variant.
Genome position (GRCh38, 1-based): chr3:55,468,081, C>T on the plus strand (G>A on the coding strand, the complement: WNT5A is on the minus strand). VCF-style: chr3-55468081-C-T. GRCh37 (hg19) VCF-style: chr3-55502109-C-T.
Other names: c.*2011G>A (NM_001256105.1, NM_001377271.1, NM_001377272.1).
Identifiers: ClinVar variation 1712780 (VCV001712780.2), dbSNP rs115634773, ClinGen allele CA10617089.

ClinVar aggregate classification (germline): Likely benign (1 of 4 stars; one submission).

Allele frequency attached by ClinVar (database versions not stated): 1000 Genomes Project 0.00260; 1000 Genomes Project 30x 0.00265; TOPMed 0.00655 and 0.00700; gnomAD 0.00768 and 0.00953.

Submission:

GeneDx
Classification: Likely benign. Last evaluated: 2021-05-19. Review status: criteria provided, single submitter. Criteria: GeneDx Variant Classification Process June 2021. Collection method: clinical testing. Allele origin: germline. Affected: yes.
Comment: See Variant Classification Assertion Criteria.